The following is an entry in ClinVar:

ClinVar aggregate classification (germline): Uncertain significance (1 of 4 stars; one submission).

gnomAD v4.1: 1 of 1,614,178 alleles (0.000062%); highest among the groups gnomAD compares: Non-Finnish European, 0.000085%; no homozygotes.

Submission:

GeneDx
Classification: Uncertain significance. Last evaluated: 2024-07-01. Review status: criteria provided, single submitter. Criteria: GeneDx Variant Classification Process June 2021. Collection method: clinical testing. Allele origin: germline. Affected: yes.
Comment: Not observed at significant frequency in large population cohorts (gnomAD); In silico analysis supports that this missense variant has a deleterious effect on protein structure/function; Has not been previously published as pathogenic or benign to our knowledge

NM_001394062.1(MACF1):c.11582C>T (p.Ser3861Phe)

Gene: MACF1 (microtubule actin crosslinking factor 1; plus strand). Cytogenetic location: 1p34.3.
Variant type: single nucleotide variant.
Coding change: c.11582C>T on transcript NM_001394062.1 (MANE Select); coding-DNA position 11582, C replaced by T.
Protein change: p.Ser3861Phe; replaces serine 3861 with phenylalanine.
Molecular consequence: missense variant.
Genome position (GRCh38, 1-based): chr1:39,357,532, C>T. VCF-style: chr1-39357532-C-T. GRCh37 (hg19) VCF-style: chr1-39823204-C-T.
Other names: c.5396C>T, p.Ser1799Phe (NM_012090.5); short protein forms S1799F, S3861F.
Identifiers: ClinVar variation 3393669 (VCV003393669.1).
Genomic context (GRCh38, chr1:39,357,532, plus strand): 5'-CTGAGGAGCAACAGATGCTGCAACAGAAGCTGGGAGAGCTAAAGGAACAATACTCTACTT[C>T]CCTGGCCCAATCAGAGGCAGAACTGAAGCAGGTGCAGACACTTCAGGATGAGTTGCAGAA-3'
Protein context (NP_001380991.1, residues 3851-3871): LGELKEQYST[Ser3861Phe]LAQSEAELKQ